The following is an entry in ClinVar:

ClinVar aggregate classification (germline): Likely benign (1 of 4 stars; one submission).

Allele frequency attached by ClinVar (database versions not stated): gnomAD 0.00010; TOPMed 0.00011; 1000 Genomes Project 0.00080; 1000 Genomes Project 30x 0.00094.
gnomAD v4.1: 16 of 152,204 alleles (0.011%); highest among the groups gnomAD compares: South Asian, 0.15%; no homozygotes.

Submission:

CeGaT Center for Human Genetics Tuebingen
Classification: Likely benign. Last evaluated: 2026-03-01. Review status: criteria provided, single submitter. Criteria: CeGaT Center For Human Genetics Tuebingen Variant Classification Criteria Version 2. Collection method: clinical testing. Allele origin: germline. Affected: yes. Observed: 4 variant alleles.
Comment: BRAF: BS1

NM_004333.6(BRAF):c.1178-1184C>T

Gene: BRAF (B-Raf proto-oncogene, serine/threonine kinase; minus strand). Cytogenetic location: 7q34.
Variant type: single nucleotide variant.
Coding change: c.1178-1184C>T on transcript NM_004333.6 (MANE Select); 1184 bases into the intron before coding-DNA position 1178, C replaced by T.
Molecular consequence: intron variant.
Genome position (GRCh38, 1-based): chr7:140,784,341, G>A on the plus strand (C>T on the coding strand, the complement: BRAF is on the minus strand). VCF-style: chr7-140784341-G-A. GRCh37 (hg19) VCF-style: chr7-140484141-G-A.
Other names: c.1178-1184C>T (NM_001378474.1, NM_001378468.1, NM_001354609.2); c.1076-1184C>T (NM_001378470.1); c.914-1184C>T (NM_001378475.1); c.1141-1258C>T (NM_001378471.1); c.1298-1184C>T (NM_001374258.1, NM_001374244.1); c.1187-1184C>T (NM_001378467.1); c.1022-1184C>T (NM_001378472.1, NM_001378473.1); c.1178-1250C>T (NM_001378469.1).
Identifiers: ClinVar variation 2658033 (VCV002658033.24), dbSNP rs555534880, ClinGen allele CA168092344.